The following is an entry in ClinVar:

ClinVar aggregate classification (germline): Uncertain significance (1 of 4 stars; one submission).

Conditions:
RYR1-related disorder. Also called: RYR1-related condition; RYR1-related disorders. Identifiers: MedGen CN239331.

Submission:

Labcorp Genetics (formerly Invitae), Labcorp
Classification: Uncertain significance for RYR1-related disorder. Last evaluated: 2022-06-22. Review status: criteria provided, single submitter. Criteria: Invitae Variant Classification Sherloc (09022015). Collection method: clinical testing. Allele origin: germline.
Comment: This sequence change replaces aspartic acid, which is acidic and polar, with glutamic acid, which is acidic and polar, at codon 2507 of the RYR1 protein (p.Asp2507Glu). This variant is not present in population databases (gnomAD no frequency). This variant has not been reported in the literature in individuals affected with RYR1-related conditions. Advanced modeling of protein sequence and biophysical properties (such as structural, functional, and spatial information, amino acid conservation, physicochemical variation, residue mobility, and thermodynamic stability) performed at Invitae indicates that this missense variant is not expected to disrupt RYR1 protein function. In summary, the available evidence is currently insufficient to determine the role of this variant in disease. Therefore, it has been classified as a Variant of Uncertain Significance.

NM_000540.3(RYR1):c.7521C>G (p.Asp2507Glu)

Gene: RYR1 (ryanodine receptor 1; plus strand). Cytogenetic location: 19q13.2.
Variant type: single nucleotide variant.
Coding change: c.7521C>G on transcript NM_000540.3 (MANE Select); coding-DNA position 7521, C replaced by G.
Protein change: p.Asp2507Glu; replaces aspartic acid 2507 with glutamic acid.
Molecular consequence: missense variant.
Genome position (GRCh38, 1-based): chr19:38,500,897, C>G. VCF-style: chr19-38500897-C-G. GRCh37 (hg19) VCF-style: chr19-38991537-C-G.
Other names: c.7521C>G, p.Asp2507Glu (NM_001042723.2); short protein forms D2507E.
Identifiers: ClinVar variation 1999037 (VCV001999037.4), dbSNP rs1025498706, ClinGen allele CA405670381.
Genomic context (GRCh38, chr19:38,500,897, plus strand): 5'-GCCAAAGATGTCAGCATCCTTCGTGCCGGACCACAAGGCGTCCATGGTGCTCTTCCTGGA[C>G]CGTGTGTATGGCATCGAGAACCAGGACTTCTTGCTGCACGTGCTGGACGTGGGGTTCCTG-3'
Protein context (NP_000531.2, residues 2497-2517): DHKASMVLFL[Asp2507Glu]RVYGIENQDF